The following is an entry in ClinVar:

NM_000088.4(COL1A1):c.3056del (p.Gly1019fs)

Gene: COL1A1 (collagen type I alpha 1 chain; minus strand). Cytogenetic location: 17q21.33.
Variant type: Deletion.
Coding change: c.3056del on transcript NM_000088.4 (MANE Select); coding-DNA position 3056, one base deleted (G; older notation c.3056delG).
Protein change: p.Gly1019fs; shifts the reading frame from glycine 1019.
Molecular consequence: frameshift variant.
Genome position (GRCh38, 1-based): chr17:50,188,785, C deleted on the plus strand (G on the coding strand, the reverse complement: COL1A1 is on the minus strand); the first of 2 consecutive C bases (chr17:50,188,785-50,188,786); deleting either gives the same sequence. VCF-style (leftmost placement, unchanged base first): chr17-50188784-AC-A. GRCh37 (hg19) VCF-style: chr17-48266145-AC-A.
Other names: c.3056delG (NM_000088.4); short protein forms G1019fs.
Identifiers: ClinVar variation 3624082 (VCV003624082.3).

ClinVar aggregate classification (germline): Pathogenic. Review status: criteria provided, multiple submitters, no conflicts (2 of 4 stars). 2 submissions from 2 submitters: Pathogenic (2). Last evaluated 2025-05-19.

Conditions:
Osteogenesis imperfecta type I (OI1). Also called: Classic Non-deforming Osteogenesis Imperfecta with Blue Sclerae; Lobstein's Disease; Lobstein disease; OI, TYPE I; OSTEOGENESIS IMPERFECTA TARDA; OSTEOGENESIS IMPERFECTA WITH BLUE SCLERAE. Identifiers: Orphanet 216796, Orphanet 666, MedGen C0023931, MONDO:0008146, OMIM 166200. Disease mechanism: loss of function.

Submissions (2):

Women's Health and Genetics/Laboratory Corporation of America, LabCorp
Classification: Pathogenic for Osteogenesis imperfecta type I. Last evaluated: 2025-05-19. Review status: criteria provided, single submitter. Criteria: LabCorp Variant Classification Summary - May 2015. Collection method: clinical testing. Allele origin: germline.
Comment: Variant summary: COL1A1 c.3056delG (p.Gly1019ValfsX89) results in a premature termination codon, predicted to cause a truncation of the encoded protein or absence of the protein due to nonsense mediated decay, which are commonly known mechanisms for disease. The variant was absent in 251286 control chromosomes. To our knowledge, no occurrence of c.3056delG in individuals affected with Osteogenesis imperfecta type I and no experimental evidence demonstrating its impact on protein function have been reported. ClinVar contains an entry for this variant (Variation ID: 3624082). Based on the evidence outlined above, the variant was classified as pathogenic.

Labcorp Genetics (formerly Invitae), Labcorp
Classification: Pathogenic for Osteogenesis imperfecta type I. Last evaluated: 2024-09-01. Review status: criteria provided, single submitter. Criteria: Invitae Variant Classification Sherloc (09022015). Collection method: clinical testing. Allele origin: germline.
Comment: This sequence change creates a premature translational stop signal (p.Gly1019Valfs*89) in the COL1A1 gene. It is expected to result in an absent or disrupted protein product. Loss-of-function variants in COL1A1 are known to be pathogenic (PMID: 7942841, 9295084, 9443882). This variant is not present in population databases (gnomAD no frequency). This variant has not been reported in the literature in individuals affected with COL1A1-related conditions. For these reasons, this variant has been classified as Pathogenic.

Literature cited by the submitters: PubMed 7942841 (cited by Labcorp Genetics (formerly Invitae), Labcorp); PubMed 9295084 (cited by Labcorp Genetics (formerly Invitae), Labcorp); PubMed 9443882 (cited by Labcorp Genetics (formerly Invitae), Labcorp).